The following is an entry in ClinVar:

NM_144670.6(A2ML1):c.483+7G>A

Gene: A2ML1 (alpha-2-macroglobulin like 1; plus strand). Cytogenetic location: 12p13.31.
Variant type: single nucleotide variant.
Coding change: c.483+7G>A on transcript NM_144670.6 (MANE Select); 7 bases into the intron after coding-DNA position 483, G replaced by A.
Molecular consequence: intron variant.
Genome position (GRCh38, 1-based): chr12:8,834,689, G>A. VCF-style: chr12-8834689-G-A. GRCh37 (hg19) VCF-style: chr12-8987285-G-A.
Identifiers: ClinVar variation 241910 (VCV000241910.36), dbSNP rs73037000, ClinGen allele CA6435326.

ClinVar aggregate classification (germline): Benign. Review status: criteria provided, multiple submitters, no conflicts (2 of 4 stars). 5 submissions from 5 submitters: Benign (5). Last evaluated 2026-02-04.

Allele frequency attached by ClinVar (database versions not stated): 1000 Genomes Project 0.00260; 1000 Genomes Project 30x 0.00281; TOPMed 0.00552; gnomAD 0.00578 and 0.00640; ESP Exome Variant Server 0.00647; gnomAD exomes 0.00655 and 0.00797; ExAC 0.00694.
gnomAD v4.1: 12,446 of 1,614,042 alleles (0.77%); highest among the groups gnomAD compares: Non-Finnish European, 0.89%; 77 homozygotes.

Submissions (5):

Labcorp Genetics (formerly Invitae), Labcorp
Classification: Benign. Last evaluated: 2026-02-04. Review status: criteria provided, single submitter. Criteria: Invitae Variant Classification Sherloc (09022015). Collection method: clinical testing. Allele origin: germline.

CeGaT Center for Human Genetics Tuebingen
Classification: Benign. Last evaluated: 2022-09-01. Review status: criteria provided, single submitter. Criteria: CeGaT Center For Human Genetics Tuebingen Variant Classification Criteria Version 2. Collection method: clinical testing. Allele origin: germline. Affected: yes. Observed: 3 variant alleles.
Comment: A2ML1: BS1, BS2

Women's Health and Genetics/Laboratory Corporation of America, LabCorp
Classification: Benign. Last evaluated: 2017-07-06. Review status: criteria provided, single submitter. Criteria: LabCorp Variant Classification Summary - May 2015. Collection method: clinical testing. Allele origin: germline.
Comment: Variant summary: The A2ML1 c.483+7G>A variant involves the alteration of a non-conserved intronic nucleotide. Mutation taster predicts a benign outcome for this variant. 5/5 splice prediction tools predict no significant impact on normal splicing. This variant was found in 838/120722 control chromosomes (9 homozygotes), predominantly observed in the European (Finnish) subpopulation at a frequency of 0.01648 (109/6614). This frequency is about 4120 times the estimated maximal expected allele frequency of a pathogenic A2ML1 variant (0.000004), suggesting this is likely a benign polymorphism found primarily in the populations of European (Finnish) origin. In addition, multiple clinical diagnostic laboratories (via ClinVar) have classified this variant as benign. The variant of interest has not, to our knowledge, been reported in affected individuals via publications. Taken together, this variant is classified as benign.

GeneDx
Classification: Benign. Last evaluated: 2017-01-16. Review status: criteria provided, single submitter. Criteria: GeneDx Variant Classification (06012015). Collection method: clinical testing. Allele origin: germline. Affected: yes.
Comment: This variant is considered likely benign or benign based on one or more of the following criteria: it is a conservative change, it occurs at a poorly conserved position in the protein, it is predicted to be benign by multiple in silico algorithms, and/or has population frequency not consistent with disease.

Breakthrough Genomics
Classification: Benign. Review status: criteria provided, single submitter. Criteria: ACMG Guidelines, 2015. Collection method: not provided. Allele origin: germline. Inheritance: Autosomal dominant inheritance. Affected: yes.